The following is an entry in ClinVar:

ClinVar aggregate classification (germline): Likely benign. Review status: criteria provided, single submitter (1 of 4 stars). 2 submissions from 2 submitters: Likely benign (1). 1 of the submissions does not count toward it. Last evaluated 2025-09-09.

Conditions:
LRRC8A-related disorder. Also called: LRRC8A-related condition.

Allele frequency attached by ClinVar (database versions not stated): ExAC 0.00002; gnomAD 0.00005; TOPMed 0.00005.
gnomAD v4.1: 144 of 1,614,006 alleles (0.0089%); highest among the groups gnomAD compares: Non-Finnish European, 0.012%; no homozygotes.

Submissions (2):

Labcorp Genetics (formerly Invitae), Labcorp
Classification: Likely benign. Last evaluated: 2025-09-09. Review status: criteria provided, single submitter. Criteria: Invitae Variant Classification Sherloc (09022015). Collection method: clinical testing. Allele origin: germline.

PreventionGenetics, part of Exact Sciences
Classification: Likely benign for LRRC8A-related condition. Last evaluated: 2019-10-28. Review status: no assertion criteria provided. Collection method: clinical testing. Allele origin: germline. Not counted in ClinVar's aggregate classification.
Comment: This variant is classified as likely benign based on ACMG/AMP sequence variant interpretation guidelines (Richards et al. 2015 PMID: 25741868, with internal and published modifications).

NM_019594.4(LRRC8A):c.804C>A (p.Thr268=)

Gene: LRRC8A (leucine rich repeat containing 8 VRAC subunit A; plus strand). Cytogenetic location: 9q34.11.
Variant type: single nucleotide variant.
Coding change: c.804C>A on transcript NM_019594.4 (MANE Select); coding-DNA position 804, C replaced by A.
Protein change: p.Thr268=; no amino-acid change (threonine 268 retained).
Molecular consequence: synonymous variant.
Genome position (GRCh38, 1-based): chr9:128,907,968, C>A. VCF-style: chr9-128907968-C-A. GRCh37 (hg19) VCF-style: chr9-131670247-C-A.
Other names: c.804C>A, p.Thr268= (NM_001127244.2, NM_001127245.2); c.804C>A (NM_019594.3).
Identifiers: ClinVar variation 1157271 (VCV001157271.11), dbSNP rs768641393, ClinGen allele CA5270774.